The following is an entry in ClinVar:

ClinVar aggregate classification (germline): Conflicting classifications of pathogenicity. Review status: criteria provided, conflicting classifications (1 of 4 stars). 4 submissions from 4 submitters: Uncertain significance (3); Likely benign (1). Last evaluated 2026-01-12.

Conditions:
Hereditary cancer-predisposing syndrome. Also called: Hereditary neoplastic syndrome; Neoplastic Syndromes, Hereditary; Tumor predisposition; Hereditary Cancer Syndrome. Identifiers: Orphanet 140162, MedGen C0027672, MeSH D009386, MONDO:0015356.
Microcephaly, normal intelligence and immunodeficiency (NBS). Also called: IMMUNODEFICIENCY, MICROCEPHALY, AND CHROMOSOMAL INSTABILITY; SEEMANOVA SYNDROME II; Nijmegen breakage syndrome; Microcephaly with normal intelligence immunodeficiency and lymphoreticular malignancies; Nonsyndromal microcephaly autosomal recessive with normal intelligence; Seemanova syndrome 2. Identifiers: Orphanet 647, MedGen C0398791, MONDO:0009623, OMIM 251260.

Allele frequency attached by ClinVar (database versions not stated): gnomAD exomes 0.00001 and 0.00002; ExAC 0.00002.
gnomAD v4.1: 18 of 1,612,936 alleles (0.0011%); highest among the groups gnomAD compares: South Asian, 0.02%; no homozygotes.

Submissions (4):

Labcorp Genetics (formerly Invitae), Labcorp
Classification: Uncertain significance for Microcephaly, normal intelligence and immunodeficiency. Last evaluated: 2026-01-12. Review status: criteria provided, single submitter. Criteria: Invitae Variant Classification Sherloc (09022015). Collection method: clinical testing. Allele origin: germline.
Comment: This sequence change replaces valine, which is neutral and non-polar, with isoleucine, which is neutral and non-polar, at codon 65 of the NBN protein (p.Val65Ile). This variant is present in population databases (rs778998026, gnomAD 0.01%). This variant has not been reported in the literature in individuals affected with NBN-related conditions. ClinVar contains an entry for this variant (Variation ID: 483974). An algorithm developed to predict the effect of missense changes on protein structure and function outputs the following: PolyPhen-2: "Benign". The isoleucine amino acid residue is found in multiple mammalian species, which suggests that this missense change does not adversely affect protein function. In summary, the available evidence is currently insufficient to determine the role of this variant in disease. Therefore, it has been classified as a Variant of Uncertain Significance.

Women's Health and Genetics/Laboratory Corporation of America, LabCorp
Classification: Uncertain significance. Last evaluated: 2023-11-06. Review status: criteria provided, single submitter. Criteria: LabCorp Variant Classification Summary - May 2015. Collection method: clinical testing. Allele origin: germline.
Comment: Variant summary: NBN c.193G>A (p.Val65Ile) results in a conservative amino acid change located in the Forkhead-associated (FHA) domain (IPR000253) of the encoded protein sequence. Four of five in-silico tools predict a benign effect of the variant on protein function. The variant allele was found at a frequency of 1.6e-05 in 251276 control chromosomes (gnomAD). The available data on variant occurrences in the general population are insufficient to allow any conclusion about variant significance. To our knowledge, no occurrence of c.193G>A in individuals affected with Nijmegen Breakage Syndrome and no experimental evidence demonstrating its impact on protein function have been reported. Three submitters have cited clinical-significance assessments for this variant to ClinVar after 2014. Based on the evidence outlined above, the variant was classified as uncertain significance.

Genome-Nilou Lab
Classification: Uncertain significance for Microcephaly, normal intelligence and immunodeficiency. Last evaluated: 2021-11-07. Review status: criteria provided, single submitter. Criteria: ACMG Guidelines, 2015. Collection method: clinical testing. Allele origin: germline. Affected: no.

Ambry Genetics
Classification: Likely benign for Hereditary cancer-predisposing syndrome. Last evaluated: 2019-01-30. Review status: criteria provided, single submitter. Criteria: Ambry Variant Classification Scheme 2023. Collection method: clinical testing. Allele origin: germline.

NM_002485.5(NBN):c.193G>A (p.Val65Ile)

Gene: NBN (nibrin; minus strand). Cytogenetic location: 8q21.3.
Variant type: single nucleotide variant.
Coding change: c.193G>A on transcript NM_002485.5 (MANE Select); coding-DNA position 193, G replaced by A.
Protein change: p.Val65Ile; replaces valine 65 with isoleucine.
Molecular consequence: missense variant. On other transcripts: 5 prime UTR variant (1).
Genome position (GRCh38, 1-based): chr8:89,981,502, C>T on the plus strand (G>A on the coding strand, the complement: NBN is on the minus strand). VCF-style: chr8-89981502-C-T. GRCh37 (hg19) VCF-style: chr8-90993730-C-T.
Other names: c.-54G>A (NM_001024688.3); short protein forms V65I.
Identifiers: ClinVar variation 483974 (VCV000483974.16), dbSNP rs778998026, ClinGen allele CA4803022.
Genomic context (GRCh38, chr8:89,981,502, plus strand): 5'-TCTGCATTTTTTCCTCATTAACAAAGGTACCATACTTAGAATTATCTTTTAATGTCAATA[C>T]AGGGATTTCATCTGTTTGACTCTGAAAAGTTAGCAAATAATTTAAAGTCTTTTACCACTC-3'
Protein context (NP_002476.2, residues 55-75): TNLSQTDEIP[Val65Ile]LTLKDNSKYG